The following is an entry in ClinVar:

ClinVar aggregate classification (germline): Uncertain significance (1 of 4 stars; one submission).

gnomAD v4.1: 3 of 1,611,244 alleles (0.00019%); highest among the groups gnomAD compares: Non-Finnish European, 0.00025%; no homozygotes.

Submission:

Labcorp Genetics (formerly Invitae), Labcorp
Classification: Uncertain significance. Last evaluated: 2025-08-18. Review status: criteria provided, single submitter. Criteria: Invitae Variant Classification Sherloc (09022015). Collection method: clinical testing. Allele origin: germline.
Comment: This sequence change replaces glutamine, which is neutral and polar, with histidine, which is basic and polar, at codon 472 of the LMF1 protein (p.Gln472His). This variant also falls at the last nucleotide of exon 9, which is part of the consensus splice site for this exon. This variant is not present in population databases (gnomAD no frequency). This variant has not been reported in the literature in individuals affected with LMF1-related conditions. An algorithm developed to predict the effect of missense changes on protein structure and function (PolyPhen-2) suggests that this variant is likely to be disruptive. Variants that disrupt the consensus splice site are a relatively common cause of aberrant splicing (PMID: 17576681, 9536098). Algorithms developed to predict the effect of sequence changes on RNA splicing suggest that this variant may disrupt the consensus splice site. In summary, the available evidence is currently insufficient to determine the role of this variant in disease. Therefore, it has been classified as a Variant of Uncertain Significance.

Literature cited by the submitters: PubMed 17576681; PubMed 9536098.

NM_022773.4(LMF1):c.1416G>C (p.Gln472His)

Gene: LMF1 (lipase maturation factor 1; minus strand). Cytogenetic location: 16p13.3.
Variant type: single nucleotide variant.
Coding change: c.1416G>C on transcript NM_022773.4 (MANE Select); coding-DNA position 1416, G replaced by C.
Protein change: p.Gln472His; replaces glutamine 472 with histidine.
Molecular consequence: missense variant. On other transcripts: non-coding transcript variant (1), intron variant (1).
Genome position (GRCh38, 1-based): chr16:869,883, C>G on the plus strand (G>C on the coding strand, the complement: LMF1 is on the minus strand). VCF-style: chr16-869883-C-G. GRCh37 (hg19) VCF-style: chr16-919883-C-G.
Other names: c.765G>C, p.Gln255His (NM_001352017.2, NM_001352021.2); c.1017G>C, p.Gln339His (NM_001352018.2); c.1089G>C, p.Gln363His (NM_001352019.2); c.1336+80G>C (NM_001352020.1); short protein forms Q472H, Q339H, Q363H, Q255H.
Identifiers: ClinVar variation 4705651 (VCV004705651.1).